The following is an entry in ClinVar:

NM_000501.4(ELN):c.1063C>G (p.Pro355Ala)

Gene: ELN (elastin; plus strand). Cytogenetic location: 7q11.23.
Variant type: single nucleotide variant.
Coding change: c.1063C>G on transcript NM_000501.4 (MANE Select); coding-DNA position 1063, C replaced by G.
Protein change: p.Pro355Ala; replaces proline 355 with alanine.
Molecular consequence: missense variant.
Genome position (GRCh38, 1-based): chr7:74,053,276, C>G. VCF-style: chr7-74053276-C-G. GRCh37 (hg19) VCF-style: chr7-73467606-C-G.
Other names: c.1033C>G, p.Pro345Ala (NM_001081752.3, NM_001278917.2); c.1078C>G, p.Pro360Ala (NM_001081753.3, NM_001081754.3); c.1063C>G, p.Pro355Ala (NM_001081755.3, NM_001278912.2, NM_001278915.2 and 1 more transcripts); c.955C>G, p.Pro319Ala (NM_001278913.2); c.1048C>G, p.Pro350Ala (NM_001278914.2); c.1021C>G, p.Pro341Ala (NM_001278916.2); c.931C>G, p.Pro311Ala (NM_001278918.2); short protein forms P311A, P319A, P341A, P345A, P350A, P355A, P360A.
Identifiers: ClinVar variation 1015525 (VCV001015525.8), dbSNP rs782505248, ClinGen allele CA4292817.

ClinVar aggregate classification (germline): Uncertain significance (1 of 4 stars; one submission).

Conditions:
Supravalvar aortic stenosis (SVAS). Also called: Supravalvar aortic stenosis, Eisenberg type. Identifiers: Orphanet 3193, MedGen C0003499, MONDO:0008504, OMIM 185500, HP:0004381.

Allele frequency attached by ClinVar (database versions not stated): TOPMed below 0.00001; ExAC 0.00002; gnomAD exomes 0.00002 and 0.00004.
gnomAD v4.1: 9 of 1,612,958 alleles (0.00056%); highest among the groups gnomAD compares: Admixed American, 0.015%; no homozygotes.

Submission:

Labcorp Genetics (formerly Invitae), Labcorp
Classification: Uncertain significance for Supravalvar aortic stenosis. Last evaluated: 2025-06-27. Review status: criteria provided, single submitter. Criteria: Invitae Variant Classification Sherloc (09022015). Collection method: clinical testing. Allele origin: germline.
Comment: This sequence change replaces proline, which is neutral and non-polar, with alanine, which is neutral and non-polar, at codon 355 of the ELN protein (p.Pro355Ala). This variant is present in population databases (rs782505248, gnomAD 0.03%). This variant has not been reported in the literature in individuals affected with ELN-related conditions. ClinVar contains an entry for this variant (Variation ID: 1015525). Invitae Evidence Modeling of protein sequence and biophysical properties (such as structural, functional, and spatial information, amino acid conservation, physicochemical variation, residue mobility, and thermodynamic stability) indicates that this missense variant is not expected to disrupt ELN protein function with a negative predictive value of 80%. In summary, the available evidence is currently insufficient to determine the role of this variant in disease. Therefore, it has been classified as a Variant of Uncertain Significance.